The following is an entry in ClinVar:

ClinVar aggregate classification (germline): Uncertain significance (1 of 4 stars; one submission).

Conditions:
Neuromuscular disease caused by qualitative or quantitative defects of dysferlin. Also called: Dysferlinopathy; Qualitative or quantitative defects of dysferlin. Identifiers: Orphanet 207073, MedGen C2931687, MONDO:0016145.

Allele frequency attached by ClinVar (database versions not stated): gnomAD exomes below 0.00001.
gnomAD v4.1: 2 of 1,613,980 alleles (0.00012%); highest among the groups gnomAD compares: Non-Finnish European, 0.00017%; no homozygotes.

Submission:

Labcorp Genetics (formerly Invitae), Labcorp
Classification: Uncertain significance for Neuromuscular disease caused by qualitative or quantitative defects of dysferlin. Last evaluated: 2021-06-23. Review status: criteria provided, single submitter. Criteria: Invitae Variant Classification Sherloc (09022015). Collection method: clinical testing. Allele origin: germline.
Comment: This sequence change replaces serine with proline at codon 1943 of the DYSF protein (p.Ser1943Pro). The serine residue is moderately conserved and there is a moderate physicochemical difference between serine and proline. This variant is not present in population databases (ExAC no frequency). This variant has not been reported in the literature in individuals with DYSF-related conditions. Advanced modeling of protein sequence and biophysical properties (such as structural, functional, and spatial information, amino acid conservation, physicochemical variation, residue mobility, and thermodynamic stability) performed at Invitae indicates that this missense variant is not expected to disrupt DYSF protein function. In summary, the available evidence is currently insufficient to determine the role of this variant in disease. Therefore, it has been classified as a Variant of Uncertain Significance.

NM_001130987.2(DYSF):c.5944T>C (p.Ser1982Pro)

Gene: DYSF (dysferlin; plus strand). Cytogenetic location: 2p13.2.
Variant type: single nucleotide variant.
Coding change: c.5944T>C on transcript NM_001130987.2 (MANE Select); coding-DNA position 5944, T replaced by C.
Protein change: p.Ser1982Pro; replaces serine 1982 with proline.
Molecular consequence: missense variant.
Genome position (GRCh38, 1-based): chr2:71,679,116, T>C. VCF-style: chr2-71679116-T-C. GRCh37 (hg19) VCF-style: chr2-71906246-T-C.
Other names: c.5830T>C, p.Ser1944Pro (NM_001130455.2); c.5785T>C, p.Ser1929Pro (NM_001130976.2); c.5848T>C, p.Ser1950Pro (NM_001130977.2); c.5890T>C, p.Ser1964Pro (NM_001130978.2); c.5920T>C, p.Ser1974Pro (NM_001130979.2); c.5878T>C, p.Ser1960Pro (NM_001130980.2); c.5941T>C, p.Ser1981Pro (NM_001130981.2); c.5923T>C, p.Ser1975Pro (NM_001130982.2); and 5 more; short protein forms S1943P, S1960P, S1930P, S1950P, S1951P, S1964P, S1975P, S1981P.
Identifiers: ClinVar variation 1956845 (VCV001956845.2), dbSNP rs1276893798, ClinGen allele CA347226335.